The following is an entry in ClinVar:

NM_006828.4(ASCC3):c.2167C>G (p.His723Asp)

Gene: ASCC3 (activating signal cointegrator 1 complex subunit 3; minus strand). Cytogenetic location: 6q16.3.
Variant type: single nucleotide variant.
Coding change: c.2167C>G on transcript NM_006828.4 (MANE Select); coding-DNA position 2167, C replaced by G.
Protein change: p.His723Asp; replaces histidine 723 with aspartic acid.
Molecular consequence: missense variant.
Genome position (GRCh38, 1-based): chr6:100,679,737, G>C on the plus strand (C>G on the coding strand, the complement: ASCC3 is on the minus strand). VCF-style: chr6-100679737-G-C. GRCh37 (hg19) VCF-style: chr6-101127613-G-C.
Other names: short protein forms H723D.
Identifiers: ClinVar variation 3370687 (VCV003370687.1).

ClinVar aggregate classification (germline): Uncertain significance (1 of 4 stars; one submission).

Submission:

GeneDx
Classification: Uncertain significance. Last evaluated: 2024-03-07. Review status: criteria provided, single submitter. Criteria: GeneDx Variant Classification Process June 2021. Collection method: clinical testing. Allele origin: germline. Affected: yes.
Comment: Not observed at significant frequency in large population cohorts (gnomAD); In silico analysis supports that this missense variant has a deleterious effect on protein structure/function; Has not been previously published as pathogenic or benign to our knowledge